The following is an entry in ClinVar:

ClinVar aggregate classification (germline): Conflicting classifications of pathogenicity. Review status: criteria provided, conflicting classifications (1 of 4 stars). 2 submissions from 2 submitters: Uncertain significance (1); Likely benign (1). Last evaluated 2023-03-24.

Allele frequency attached by ClinVar (database versions not stated): gnomAD exomes below 0.00001; gnomAD 0.00001; TOPMed 0.00001; ExAC 0.00003.
gnomAD v4.1: 7 of 1,612,862 alleles (0.00043%); highest among the groups gnomAD compares: African/African-American, 0.004%; no homozygotes.

Submissions (2):

Labcorp Genetics (formerly Invitae), Labcorp
Classification: Uncertain significance. Last evaluated: 2023-03-24. Review status: criteria provided, single submitter. Criteria: Invitae Variant Classification Sherloc (09022015). Collection method: clinical testing. Allele origin: germline.
Comment: This variant has not been reported in the literature in individuals affected with IGF1R-related conditions. This variant is present in population databases (rs748737109, gnomAD 0.007%). This sequence change replaces arginine, which is basic and polar, with histidine, which is basic and polar, at codon 210 of the IGF1R protein (p.Arg210His). In summary, the available evidence is currently insufficient to determine the role of this variant in disease. Therefore, it has been classified as a Variant of Uncertain Significance. Algorithms developed to predict the effect of missense changes on protein structure and function output the following: SIFT: "Not Available"; PolyPhen-2: "Benign"; Align-GVGD: "Not Available". The histidine amino acid residue is found in multiple mammalian species, which suggests that this missense change does not adversely affect protein function.

Blueprint Genetics
Classification: Likely benign. Last evaluated: 2023-03-16. Review status: criteria provided, single submitter. Criteria: ACMG Guidelines, 2015. Collection method: clinical testing. Allele origin: germline.

NM_000875.5(IGF1R):c.629G>A (p.Arg210His)

Gene: IGF1R (insulin like growth factor 1 receptor; plus strand). Cytogenetic location: 15q26.3.
Variant type: single nucleotide variant.
Coding change: c.629G>A on transcript NM_000875.5 (MANE Select); coding-DNA position 629, G replaced by A.
Protein change: p.Arg210His; replaces arginine 210 with histidine.
Molecular consequence: missense variant.
Genome position (GRCh38, 1-based): chr15:98,708,096, G>A. VCF-style: chr15-98708096-G-A. GRCh37 (hg19) VCF-style: chr15-99251325-G-A.
Other names: c.629G>A, p.Arg210His (NM_001291858.2); short protein forms R210H.
Identifiers: ClinVar variation 2995656 (VCV002995656.4), dbSNP rs748737109, ClinGen allele CA7751829.